The following is an entry in ClinVar:

ClinVar aggregate classification (germline): Pathogenic (1 of 4 stars; one submission).

Submission:

Labcorp Genetics (formerly Invitae), Labcorp
Classification: Pathogenic. Last evaluated: 2024-01-02. Review status: criteria provided, single submitter. Criteria: Invitae Variant Classification Sherloc (09022015). Collection method: clinical testing. Allele origin: germline.
Comment: This sequence change creates a premature translational stop signal (p.Ala253Argfs*118) in the ZNF469 gene. It is expected to result in an absent or disrupted protein product. Loss-of-function variants in ZNF469 are known to be pathogenic (PMID: 23642083, 23680354). The frequency data for this variant in the population databases is considered unreliable, as metrics indicate poor data quality at this position in the gnomAD database. This variant has not been reported in the literature in individuals affected with ZNF469-related conditions. For these reasons, this variant has been classified as Pathogenic.

Literature cited by the submitters: PubMed 23642083; PubMed 23680354.

NM_001367624.2(ZNF469):c.756dup (p.Ala253fs)

Gene: ZNF469 (zinc finger protein 469; plus strand). Cytogenetic location: 16q24.2.
Variant type: Duplication.
Coding change: c.756dup on transcript NM_001367624.2 (MANE Select); coding-DNA position 756, one base duplicated (C; older notation c.756dupC).
Protein change: p.Ala253fs; shifts the reading frame from alanine 253.
Molecular consequence: frameshift variant.
Genome position (GRCh38, 1-based): chr16:88,428,226, C duplicated; the last of 6 consecutive C bases (chr16:88,428,221-88,428,226); duplicating any one gives the same sequence. VCF-style (leftmost placement, unchanged base first): chr16-88428220-T-TC. GRCh37 (hg19) VCF-style: chr16-88494628-T-TC.
Other names: short protein forms A253fs.
Identifiers: ClinVar variation 2787923 (VCV002787923.3), dbSNP rs2507572374, ClinGen allele CA497353313.